The following is an entry in ClinVar:

ClinVar aggregate classification (germline): Uncertain significance (1 of 4 stars; one submission).

Conditions:
Hereditary cancer-predisposing syndrome. Also called: Tumor predisposition; Neoplastic Syndromes, Hereditary; Hereditary Cancer Syndrome; Hereditary neoplastic syndrome. Identifiers: Orphanet 140162, MedGen C0027672, MeSH D009386, MONDO:0015356.

Submission:

Ambry Genetics
Classification: Uncertain significance for Hereditary cancer-predisposing syndrome. Last evaluated: 2021-11-06. Review status: criteria provided, single submitter. Criteria: Ambry Variant Classification Scheme 2023. Collection method: clinical testing. Allele origin: germline.
Comment: The p.Q106H variant (also known as c.318A>C), located in coding exon 2 of the MSH3 gene, results from an A to C substitution at nucleotide position 318. The glutamine at codon 106 is replaced by histidine, an amino acid with highly similar properties. This amino acid position is conserved. In addition, this alteration is predicted to be tolerated by in silico analysis. Since supporting evidence is limited at this time, the clinical significance of this alteration remains unclear.

NM_002439.5(MSH3):c.318A>C (p.Gln106His)

Gene: MSH3 (mutS homolog 3; plus strand). Cytogenetic location: 5q14.1.
Variant type: single nucleotide variant.
Coding change: c.318A>C on transcript NM_002439.5 (MANE Select); coding-DNA position 318, A replaced by C.
Protein change: p.Gln106His; replaces glutamine 106 with histidine.
Molecular consequence: missense variant.
Genome position (GRCh38, 1-based): chr5:80,656,491, A>C. VCF-style: chr5-80656491-A-C. GRCh37 (hg19) VCF-style: chr5-79952310-A-C.
Other names: short protein forms Q106H.
Identifiers: ClinVar variation 1728617 (VCV001728617.2), dbSNP rs764632679, ClinGen allele CA360266409.